The following is an entry in ClinVar:

ClinVar aggregate classification (germline): Uncertain significance. Review status: criteria provided, multiple submitters, no conflicts (2 of 4 stars). 2 submissions from 2 submitters: Uncertain significance (2). Last evaluated 2025-04-13.

Allele frequency attached by ClinVar (database versions not stated): TOPMed 0.00001; gnomAD exomes 0.00002; gnomAD 0.00003.
gnomAD v4.1: 38 of 1,613,396 alleles (0.0024%); highest among the groups gnomAD compares: Non-Finnish European, 0.0028%; no homozygotes.

Submissions (2):

Ambry Genetics
Classification: Uncertain significance. Last evaluated: 2025-04-13. Review status: criteria provided, single submitter. Criteria: Ambry Variant Classification Scheme 2023. Collection method: clinical testing. Allele origin: germline.

Labcorp Genetics (formerly Invitae), Labcorp
Classification: Uncertain significance. Last evaluated: 2024-11-13. Review status: criteria provided, single submitter. Criteria: Invitae Variant Classification Sherloc (09022015). Collection method: clinical testing. Allele origin: germline.
Comment: This sequence change replaces lysine, which is basic and polar, with glutamic acid, which is acidic and polar, at codon 5447 of the HMCN1 protein (p.Lys5447Glu). This variant is present in population databases (no rsID available, gnomAD 0.004%). This variant has not been reported in the literature in individuals affected with HMCN1-related conditions. ClinVar contains an entry for this variant (Variation ID: 1945704). An algorithm developed to predict the effect of missense changes on protein structure and function (PolyPhen-2) suggests that this variant is likely to be disruptive. In summary, the available evidence is currently insufficient to determine the role of this variant in disease. Therefore, it has been classified as a Variant of Uncertain Significance.

NM_031935.3(HMCN1):c.16339A>G (p.Lys5447Glu)

Gene: HMCN1 (hemicentin 1; plus strand). Cytogenetic location: 1q31.1.
Variant type: single nucleotide variant.
Coding change: c.16339A>G on transcript NM_031935.3 (MANE Select); coding-DNA position 16339, A replaced by G.
Protein change: p.Lys5447Glu; replaces lysine 5447 with glutamic acid.
Molecular consequence: missense variant.
Genome position (GRCh38, 1-based): chr1:186,182,212, A>G. VCF-style: chr1-186182212-A-G. GRCh37 (hg19) VCF-style: chr1-186151344-A-G.
Other names: c.16339A>G (NM_031935.2); short protein forms K5447E.
Identifiers: ClinVar variation 1945704 (VCV001945704.6), dbSNP rs1441658421, ClinGen allele CA343940941.